The following is an entry in ClinVar:

ClinVar aggregate classification (germline): Uncertain significance (1 of 4 stars; one submission).

Conditions:
Hereditary hyperferritinemia with congenital cataracts. Also called: HYPERFERRITINEMIA WITH OR WITHOUT CATARACT; Hereditary hyperferritinemia cataract syndrome; Bonneau-Beaumont syndrome. Identifiers: Orphanet 163, MedGen C1833213, MONDO:0010952, OMIM 600886.
Neuroferritinopathy (NBIA3). Also called: BASAL GANGLIA DISEASE, ADULT-ONSET; NEURODEGENERATION WITH BRAIN IRON ACCUMULATION 3. Identifiers: Orphanet 157846, MedGen C1853578, MONDO:0011638, OMIM 606159.

Submission:

Labcorp Genetics (formerly Invitae), Labcorp
Classification: Uncertain significance for Neuroferritinopathy; Hereditary hyperferritinemia with congenital cataracts. Last evaluated: 2021-12-25. Review status: criteria provided, single submitter. Criteria: Invitae Variant Classification Sherloc (09022015). Collection method: clinical testing. Allele origin: germline.
Comment: In summary, the available evidence is currently insufficient to determine the role of this variant in disease. Therefore, it has been classified as a Variant of Uncertain Significance. This variant has not been reported in the literature in individuals affected with FTL-related conditions. A gross deletion of the genomic region encompassing the full coding sequence of the FTL gene has been identified. The current clinical and genetic evidence is not sufficient to establish whether loss-of-function variants in FTL cause disease. The boundaries of this event are unknown as they extend beyond the assayed region for this gene and therefore may encompass additional genes.

NC_000019.9:g.(?_49468350)_(49481434_?)del

Genes: FTL (ferritin light chain; plus strand), GYS1 (glycogen synthase 1; minus strand). Cytogenetic location: 19q13.33.
Variant type: Deletion.
Identifiers: ClinVar variation 2422462 (VCV002422462.5).